The following is an entry in ClinVar:

NM_002432.3(MNDA):c.560C>G (p.Ser187Trp)

Gene: MNDA (myeloid cell nuclear differentiation antigen; plus strand). Cytogenetic location: 1q23.1.
Variant type: single nucleotide variant.
Coding change: c.560C>G on transcript NM_002432.3 (MANE Select); coding-DNA position 560, C replaced by G.
Protein change: p.Ser187Trp; replaces serine 187 with tryptophan.
Molecular consequence: missense variant.
Genome position (GRCh38, 1-based): chr1:158,844,112, C>G. VCF-style: chr1-158844112-C-G. GRCh37 (hg19) VCF-style: chr1-158813902-C-G.
Other names: short protein forms S187W.
Identifiers: ClinVar variation 1748615 (VCV001748615.2), dbSNP rs867226822, ClinGen allele CA343039440.

ClinVar aggregate classification (germline): Uncertain significance (1 of 4 stars; one submission).

gnomAD v4.1: 1 of 1,579,632 alleles (0.000063%); highest among the groups gnomAD compares: East Asian, 0.0023%; no homozygotes.

Submission:

Ambry Genetics
Classification: Uncertain significance. Last evaluated: 2021-12-30. Review status: criteria provided, single submitter. Criteria: Ambry Variant Classification Scheme 2023. Collection method: clinical testing. Allele origin: germline.
Comment: The p.S187W variant (also known as c.560C>G), located in coding exon 3 of the MNDA gene, results from a C to G substitution at nucleotide position 560. The serine at codon 187 is replaced by tryptophan, an amino acid with highly dissimilar properties. This amino acid position is conserved. In addition, this alteration is predicted to be tolerated by in silico analysis. Since supporting evidence is limited at this time, the clinical significance of this alteration remains unclear.